The following is an entry in ClinVar:

ClinVar aggregate classification (germline): Conflicting classifications of pathogenicity. Review status: criteria provided, conflicting classifications (1 of 4 stars). 3 submissions from 3 submitters: Likely pathogenic (1); Uncertain significance (2). Last evaluated 2025-06-06.

Conditions:
Hepatic methionine adenosyltransferase deficiency. Also called: Isolated Persistent Hypermethioninemia; Methionine adenosyltransferase deficiency; MAT I/III DEFICIENCY; Deficiency of methionine adenosyltransferase. Identifiers: Orphanet 168598, MedGen C0268621, MeSH C564683, MONDO:0009607, OMIM 250850.

Allele frequency attached by ClinVar (database versions not stated): gnomAD 0.00001; gnomAD exomes 0.00001; TOPMed 0.00002.
gnomAD v4.1: 8 of 1,614,004 alleles (0.0005%); highest among the groups gnomAD compares: African/African-American, 0.004%; no homozygotes.

Submissions (3):

Women's Health and Genetics/Laboratory Corporation of America, LabCorp
Classification: Uncertain significance. Last evaluated: 2025-06-06. Review status: criteria provided, single submitter. Criteria: LabCorp Variant Classification Summary - May 2015. Collection method: clinical testing. Allele origin: germline.
Comment: Variant summary: MAT1A c.757G>A (p.Gly253Arg) results in a non-conservative amino acid change in the encoded protein sequence. Algorithms developed to predict the effect of missense changes on protein structure and function all suggest that this variant is likely to be disruptive. The variant was absent in 250864 control chromosomes. The available data on variant occurrences in the general population are insufficient to allow any conclusion about variant significance. c.757G>A has been observed in individual(s) affected with Hepatic methionine adenosyltransferase deficiency as a compound heterozygote or unknown genotype (e.g. Tong_2023, Ma_2024). These data do not allow any conclusion about variant significance. To our knowledge, no experimental evidence demonstrating an impact on protein function has been reported. The following publications have been ascertained in the context of this evaluation (PMID: 36704196, 39511588). ClinVar contains an entry for this variant (Variation ID: 658943). Based on the evidence outlined above, the variant was classified as uncertain significance.

GeneDx
Classification: Likely pathogenic. Last evaluated: 2022-05-19. Review status: criteria provided, single submitter. Criteria: GeneDx Variant Classification Process June 2021. Collection method: clinical testing. Allele origin: germline. Affected: yes.
Comment: Observed in a patient with neonatal hypermethioninemia identified by newborn screening, although additional clinical information is not available due to language limitations (Feng et al., 2021); Not observed at significant frequency in large population cohorts (gnomAD); In silico analysis supports that this missense variant has a deleterious effect on protein structure/function; This variant is associated with the following publications: (PMID: Feng_publication_2021, Ma_Publication_2018)

Labcorp Genetics (formerly Invitae), Labcorp
Classification: Uncertain significance for Hepatic methionine adenosyltransferase deficiency. Last evaluated: 2021-05-29. Review status: criteria provided, single submitter. Criteria: Invitae Variant Classification Sherloc (09022015). Collection method: clinical testing. Allele origin: germline.
Comment: In summary, the available evidence is currently insufficient to determine the role of this variant in disease. Therefore, it has been classified as a Variant of Uncertain Significance. Algorithms developed to predict the effect of sequence changes on RNA splicing suggest that this variant may create or strengthen a splice site, but this prediction has not been confirmed by published transcriptional studies. Algorithms developed to predict the effect of missense changes on protein structure and function (SIFT, PolyPhen-2, Align-GVGD) all suggest that this variant is likely to be disruptive, but these predictions have not been confirmed by published functional studies and their clinical significance is uncertain. This variant has not been reported in the literature in individuals with MAT1A-related disease. This variant is not present in population databases (ExAC no frequency). This sequence change replaces glycine with arginine at codon 253 of the MAT1A protein (p.Gly253Arg). The glycine residue is highly conserved and there is a moderate physicochemical difference between glycine and arginine.

Literature cited by the submitters: PubMed 36704196 (cited by Women's Health and Genetics/Laboratory Corporation of America, LabCorp); PubMed 39511588 (cited by Women's Health and Genetics/Laboratory Corporation of America, LabCorp).

NM_000429.3(MAT1A):c.757G>A (p.Gly253Arg)

Gene: MAT1A (methionine adenosyltransferase 1A; minus strand). Cytogenetic location: 10q22.3.
Variant type: single nucleotide variant.
Coding change: c.757G>A on transcript NM_000429.3 (MANE Select); coding-DNA position 757, G replaced by A.
Protein change: p.Gly253Arg; replaces glycine 253 with arginine.
Molecular consequence: missense variant.
Genome position (GRCh38, 1-based): chr10:80,276,387, C>T on the plus strand (G>A on the coding strand, the complement: MAT1A is on the minus strand). VCF-style: chr10-80276387-C-T. GRCh37 (hg19) VCF-style: chr10-82036143-C-T.
Other names: short protein forms G253R.
Identifiers: ClinVar variation 658943 (VCV000658943.11), dbSNP rs1589480590, ClinGen allele CA377361573.